The following is an entry in ClinVar:

ClinVar aggregate classification (germline): Conflicting classifications of pathogenicity. Review status: criteria provided, conflicting classifications (1 of 4 stars). 2 submissions from 2 submitters: Uncertain significance (1); Likely benign (1). Last evaluated 2024-09-09.

Conditions:
RASopathy. Also called: rasopathies; Noonan spectrum disorder. Identifiers: Orphanet 536391, MedGen C5555857, MONDO:0021060.

Allele frequency attached by ClinVar (database versions not stated): gnomAD exomes below 0.00001; ExAC 0.00001; gnomAD 0.00001.
gnomAD v4.1: 3 of 1,555,934 alleles (0.00019%); highest among the groups gnomAD compares: Non-Finnish European, 0.00027%; no homozygotes.

Submissions (2):

Labcorp Genetics (formerly Invitae), Labcorp
Classification: Likely benign for RASopathy. Last evaluated: 2024-09-09. Review status: criteria provided, single submitter. Criteria: Invitae Variant Classification Sherloc (09022015). Collection method: clinical testing. Allele origin: germline.

GeneDx
Classification: Uncertain significance. Last evaluated: 2018-03-02. Review status: criteria provided, single submitter. Criteria: GeneDx Variant Classification (06012015). Collection method: clinical testing. Allele origin: germline. Affected: yes.
Comment: The c.1096-20 T>C variant has not been published as a pathogenic variant, nor has it been reported as a benign variant to our knowledge. The c.1096-20 T>C variant is observed in 2/120402 (0.0017%) alleles from individuals of European (non-Finnish) background, in the ExAC dataset (Lek et al., 2016). A single in silico splice prediction model predicts that c.1096-20 T>C destroys the splice acceptor site of intron 8, which may lead to abnormal gene splicing. However, in the absence of RNA/functional studies, the actual effect of this sequence change in this individual is unknown. Therefore, based on the currently available information, it is unclear whether this variant is a pathogenic variant or a rare benign variant. We consider it to be a variant of uncertain significance.

NM_005188.4(CBL):c.1096-20T>C

Gene: CBL (Cbl proto-oncogene; plus strand). Cytogenetic location: 11q23.3.
Variant type: single nucleotide variant.
Coding change: c.1096-20T>C on transcript NM_005188.4 (MANE Select); 20 bases into the intron before coding-DNA position 1096, T replaced by C.
Molecular consequence: intron variant.
Genome position (GRCh38, 1-based): chr11:119,278,146, T>C. VCF-style: chr11-119278146-T-C. GRCh37 (hg19) VCF-style: chr11-119148856-T-C.
Identifiers: ClinVar variation 504461 (VCV000504461.4), dbSNP rs773473702, ClinGen allele CA6318427.